The following is an entry in ClinVar:

NM_001113378.2(FANCI):c.2649G>C (p.Trp883Cys)

Gene: FANCI (FA complementation group I; plus strand). Cytogenetic location: 15q26.1.
Variant type: single nucleotide variant.
Coding change: c.2649G>C on transcript NM_001113378.2 (MANE Select); coding-DNA position 2649, G replaced by C.
Protein change: p.Trp883Cys; replaces tryptophan 883 with cysteine.
Molecular consequence: missense variant.
Genome position (GRCh38, 1-based): chr15:89,299,812, G>C. VCF-style: chr15-89299812-G-C. GRCh37 (hg19) VCF-style: chr15-89843043-G-C.
Other names: c.2370G>C, p.Trp790Cys (NM_001376910.1); c.2649G>C, p.Trp883Cys (NM_001376911.1); c.2469G>C, p.Trp823Cys (NM_018193.3); short protein forms W823C, W883C, W790C.
Identifiers: ClinVar variation 1040154 (VCV001040154.8), dbSNP rs776067081, ClinGen allele CA7723427.

ClinVar aggregate classification (germline): Uncertain significance (1 of 4 stars; one submission).

Conditions:
Fanconi anemia (FA). Also called: Fanconi's anemia. Identifiers: Orphanet 84, MedGen C0015625, MeSH D005199, MONDO:0019391.

Allele frequency attached by ClinVar (database versions not stated): ExAC 0.00001; gnomAD exomes 0.00001; TOPMed 0.00001.
gnomAD v4.1: 1 of 1,613,594 alleles (0.000062%); highest among the groups gnomAD compares: East Asian, 0.0022%; no homozygotes.

Submissions (2):

Labcorp Genetics (formerly Invitae), Labcorp
Classification: Uncertain significance for Fanconi anemia. Last evaluated: 2025-04-07. Review status: criteria provided, single submitter. Criteria: Invitae Variant Classification Sherloc (09022015). Collection method: clinical testing. Allele origin: germline.
Comment: This sequence change replaces tryptophan, which is neutral and slightly polar, with cysteine, which is neutral and slightly polar, at codon 883 of the FANCI protein (p.Trp883Cys). This variant is present in population databases (rs776067081, gnomAD 0.01%). This variant has not been reported in the literature in individuals affected with FANCI-related conditions. ClinVar contains an entry for this variant (Variation ID: 1040154). Invitae Evidence Modeling of protein sequence and biophysical properties (such as structural, functional, and spatial information, amino acid conservation, physicochemical variation, residue mobility, and thermodynamic stability) indicates that this missense variant is expected to disrupt FANCI protein function with a positive predictive value of 80%. In summary, the available evidence is currently insufficient to determine the role of this variant in disease. Therefore, it has been classified as a Variant of Uncertain Significance.

Dr. Peter K. Rogan Lab, Western University
No classification provided (evidence only). Condition: Malignant tumor of urinary bladder. Review status: no classification provided. Collection method: in vitro. Allele origin: not applicable. Functional consequence: retained intron. Not counted in ClinVar's aggregate classification.